The following is an entry in ClinVar:

NM_015443.4(KANSL1):c.3306G>T (p.Pro1102=)

Gene: KANSL1 (KAT8 regulatory NSL complex subunit 1). Cytogenetic location: 17q21.31.
Variant type: single nucleotide variant.
Coding change: c.3306G>T on transcript NM_015443.4 (MANE Select); coding-DNA position 3306, G replaced by T.
Protein change: p.Pro1102=; no amino-acid change (proline 1102 retained).
Molecular consequence: synonymous variant.
Genome position (GRCh38, 1-based): chr17:46,031,488, C>A on the plus strand (G>T on the coding strand, the complement: KANSL1 is on the minus strand). VCF-style: chr17-46031488-C-A. GRCh37 (hg19) VCF-style: chr17-44108854-C-A.
Other names: c.3303G>T, p.Pro1101= (NM_001193465.2, NM_001405856.1, NM_001405857.1 and 1 more transcripts); c.3306G>T, p.Pro1102= (NM_001193466.2, NM_001379198.1, NM_001405854.1 and 1 more transcripts); c.3204G>T, p.Pro1068= (NM_001405859.1, NM_001405860.1); c.3201G>T, p.Pro1067= (NM_001405861.1); c.3174G>T, p.Pro1058= (NM_001405872.1, NM_001405873.1, NM_001405874.1); c.3117G>T, p.Pro1039= (NM_001405875.1, NM_001405876.1, NM_001405877.1 and 1 more transcripts); c.1848G>T, p.Pro616= (NM_001405885.1); c.3114G>T, p.Pro1038= (NM_001405879.1, NM_001405880.1); and 4 more.
Identifiers: ClinVar variation 4849156 (VCV004849156.1).
Genomic context (GRCh38, chr17:46,031,488, plus strand): 5'-GCTTTAATGCCAATAGTTAGTGAGTCTGTTTAGATGGCTGTCTCCCGCTCATCTGTGAGT[C>A]GGGCGCTGAGCTGTGGCTGCTGCCACCAGATGCCGACTCTTGAGGGGGACAATGGGAGGC-3'
Protein context (NP_056258.1, residues 1092-1105): HLVAAATAQR[Pro1102=]THR

ClinVar aggregate classification (germline): Likely benign (1 of 4 stars; one submission).

Submission:

Women's Health and Genetics/Laboratory Corporation of America, LabCorp
Classification: Likely benign. Last evaluated: 2026-04-22. Review status: criteria provided, single submitter. Criteria: LabCorp Variant Classification Summary - May 2015. Collection method: clinical testing. Allele origin: germline.
Comment: Variant summary: KANSL1 c.3306G>T alters a conserved nucleotide resulting in a synonymous change. Consensus agreement among computation tools predict no significant impact on normal splicing. However, these predictions have yet to be confirmed by functional studies. The variant allele was found at a frequency of 4.1e-06 in 244284 control chromosomes. The available data on variant occurrences in the general population are insufficient to allow any conclusion about variant significance. To our knowledge, no occurrence of c.3306G>T in individuals affected with KANSL1-related conditions and no experimental evidence demonstrating its impact on protein function have been reported. No submitters have cited clinical-significance assessments for this variant to ClinVar. Based on the evidence outlined above, the variant was classified as likely benign.